The following is an entry in ClinVar:

NM_205768.3(ZBTB18):c.1456C>T (p.Gln486Ter)

Gene: ZBTB18 (zinc finger and BTB domain containing 18; plus strand). Cytogenetic location: 1q44.
Variant type: single nucleotide variant.
Coding change: c.1456C>T on transcript NM_205768.3 (MANE Select); coding-DNA position 1456, C replaced by T.
Protein change: p.Gln486Ter; replaces glutamine 486 with a stop codon.
Molecular consequence: nonsense.
Genome position (GRCh38, 1-based): chr1:244,055,230, C>T. VCF-style: chr1-244055230-C-T. GRCh37 (hg19) VCF-style: chr1-244218532-C-T.
Other names: c.1429C>T, p.Gln477Ter (NM_001278196.2, NM_006352.5); short protein forms Q477*, Q486*.
Identifiers: ClinVar variation 1328182 (VCV001328182.4), dbSNP rs2148557761, ClinGen allele CA345675177.

ClinVar aggregate classification (germline): Pathogenic (1 of 4 stars; one submission).

Conditions:
ZBTB18-related intellectual disability.

Submission:

Illumina Laboratory Services, Illumina
Classification: Pathogenic for ZBTB18-related intellectual disability. Last evaluated: 2021-07-21. Review status: criteria provided, single submitter. Criteria: ICSLVariantClassificationCriteria RUGD 01 April 2020. Collection method: clinical testing. Allele origin: unknown.
Comment: The ZBTB18 c.1456C>T (p.Gln486Ter) variant is a stop-gained variant that is predicted to result in a premature truncation of the protein. A literature search was performed for the gene, cDNA change, and amino acid change. No publications were found based on this search. This variant is not found in version 2.1.1 or version 3.1.1 of Genome Aggregation Database despite its location in a region of good sequencing coverage, which suggests the variant is rare. The Gln486 residue is located in the C2H2-type 4 zinc finger domain which is important for DNA binding (Hemming et al. 2019). Based on the predicted truncating nature of the variant, its rarity, and identification in a de novo state, the p.Gln486Ter variant is classified as pathogenic for ZBTB18-related intellectual disability.

Literature cited by the submitters: PubMed 31112317.